The following is an entry in ClinVar:

ClinVar aggregate classification (germline): Uncertain significance. Review status: criteria provided, single submitter (1 of 4 stars). 2 submissions from 2 submitters: Uncertain significance (1). 1 of the submissions does not count toward it. Last evaluated 2022-10-21.

Conditions:
TRRAP-related disorder. Also called: TRRAP-related condition.

Allele frequency attached by ClinVar (database versions not stated): gnomAD exomes below 0.00001.
gnomAD v4.1: 2 of 1,608,044 alleles (0.00012%); highest among the groups gnomAD compares: Non-Finnish European, 0.00017%; no homozygotes.

Submissions (2):

Labcorp Genetics (formerly Invitae), Labcorp
Classification: Uncertain significance. Last evaluated: 2022-10-21. Review status: criteria provided, single submitter. Criteria: Invitae Variant Classification Sherloc (09022015). Collection method: clinical testing. Allele origin: germline.
Comment: Algorithms developed to predict the effect of missense changes on protein structure and function are either unavailable or do not agree on the potential impact of this missense change (SIFT: "Deleterious"; PolyPhen-2: "Benign"; Align-GVGD: "Class C0"). In summary, the available evidence is currently insufficient to determine the role of this variant in disease. Therefore, it has been classified as a Variant of Uncertain Significance. This variant has not been reported in the literature in individuals affected with TRRAP-related conditions. This variant is not present in population databases (gnomAD no frequency). This sequence change replaces valine, which is neutral and non-polar, with leucine, which is neutral and non-polar, at codon 1606 of the TRRAP protein (p.Val1606Leu).

PreventionGenetics, part of Exact Sciences
Classification: Uncertain significance for TRRAP-related condition. Last evaluated: 2024-08-13. Review status: no assertion criteria provided. Collection method: clinical testing. Allele origin: germline. Not counted in ClinVar's aggregate classification.
Comment: The TRRAP c.4816G>C variant is predicted to result in the amino acid substitution p.Val1606Leu. To our knowledge, this variant has not been reported in the literature or in a large population database, indicating this variant is rare. At this time, the clinical significance of this variant is uncertain due to the absence of conclusive functional and genetic evidence.

NM_001375524.1(TRRAP):c.4891G>C (p.Val1631Leu)

Gene: TRRAP (transformation/transcription domain associated protein; plus strand). Cytogenetic location: 7q22.1.
Variant type: single nucleotide variant.
Coding change: c.4891G>C on transcript NM_001375524.1 (MANE Select); coding-DNA position 4891, G replaced by C.
Protein change: p.Val1631Leu; replaces valine 1631 with leucine.
Molecular consequence: missense variant.
Genome position (GRCh38, 1-based): chr7:98,949,519, G>C. VCF-style: chr7-98949519-G-C. GRCh37 (hg19) VCF-style: chr7-98547142-G-C.
Other names: c.4870G>C, p.Val1624Leu (NM_001244580.2); c.4816G>C, p.Val1606Leu (NM_003496.4); c.4816G>C (NM_003496.3); short protein forms V1631L, V1624L, V1606L.
Identifiers: ClinVar variation 1914388 (VCV001914388.6), dbSNP rs1202210288, ClinGen allele CA368313057.